The following is an entry in ClinVar:

NM_002609.4(PDGFRB):c.1798C>T (p.Leu600Phe)

Gene: PDGFRB (platelet derived growth factor receptor beta; minus strand). Cytogenetic location: 5q32.
Variant type: single nucleotide variant.
Coding change: c.1798C>T on transcript NM_002609.4 (MANE Select); coding-DNA position 1798, C replaced by T.
Protein change: p.Leu600Phe; replaces leucine 600 with phenylalanine.
Molecular consequence: missense variant.
Genome position (GRCh38, 1-based): chr5:150,125,454, G>A on the plus strand (C>T on the coding strand, the complement: PDGFRB is on the minus strand). VCF-style: chr5-150125454-G-A. GRCh37 (hg19) VCF-style: chr5-149505017-G-A.
Other names: c.1606C>T, p.Leu536Phe (NM_001355016.2); c.1315C>T, p.Leu439Phe (NM_001355017.2); short protein forms L439F, L536F, L600F.
Identifiers: ClinVar variation 5020858 (VCV005020858.1).

ClinVar aggregate classification (germline): Uncertain significance (1 of 4 stars; one submission).

Submission:

Dasa
Classification: Uncertain significance. Last evaluated: 2025-09-18. Review status: criteria provided, single submitter. Criteria: DASA Assertion Criteria. Collection method: clinical testing. Allele origin: germline.
Comment: NM_002609.4(PDGFRB):c.1798C>T (p.Leu600Phe) is a missense variant that results in the substitution of leucine with phenylalanine. This variant is absent from population databases. Computational prediction algorithms are consistent with a deleterious effect. The currently available literature and clinical evidence are not sufficient to establish a definitive association between this variant and the reported condition. Therefore, this variant is classified as a variant of uncertain significance.